The following is an entry in ClinVar:

NM_001843.4(CNTN1):c.1631G>A (p.Gly544Asp)

Gene: CNTN1 (contactin 1; plus strand). Cytogenetic location: 12q12.
Variant type: single nucleotide variant.
Coding change: c.1631G>A on transcript NM_001843.4 (MANE Select); coding-DNA position 1631, G replaced by A.
Protein change: p.Gly544Asp; replaces glycine 544 with aspartic acid.
Molecular consequence: missense variant.
Genome position (GRCh38, 1-based): chr12:40,944,118, G>A. VCF-style: chr12-40944118-G-A. GRCh37 (hg19) VCF-style: chr12-41337920-G-A.
Other names: c.1631G>A, p.Gly544Asp (NM_001256063.2, NM_001256064.2); c.1598G>A, p.Gly533Asp (NM_175038.2); short protein forms G544D, G533D.
Identifiers: ClinVar variation 971773 (VCV000971773.5), dbSNP rs773805932, ClinGen allele CA6516901.

ClinVar aggregate classification (germline): Uncertain significance (1 of 4 stars; one submission).

Conditions:
Compton-North congenital myopathy (CMYO12). Identifiers: Orphanet 210163, MedGen C2675527, MONDO:0012929, OMIM 612540.

Allele frequency attached by ClinVar (database versions not stated): gnomAD 0.00002; gnomAD exomes 0.00002 and 0.00004; TOPMed 0.00002; ExAC 0.00003.
gnomAD v4.1: 35 of 1,613,280 alleles (0.0022%); highest among the groups gnomAD compares: East Asian, 0.011%; no homozygotes.

Submission:

Labcorp Genetics (formerly Invitae), Labcorp
Classification: Uncertain significance for Compton-North congenital myopathy. Last evaluated: 2021-12-02. Review status: criteria provided, single submitter. Criteria: Invitae Variant Classification Sherloc (09022015). Collection method: clinical testing. Allele origin: germline.
Comment: This sequence change replaces glycine, which is neutral and non-polar, with aspartic acid, which is acidic and polar, at codon 544 of the CNTN1 protein (p.Gly544Asp). This variant is present in population databases (rs773805932, gnomAD 0.03%). This variant has not been reported in the literature in individuals affected with CNTN1-related conditions. ClinVar contains an entry for this variant (Variation ID: 971773). Advanced modeling of protein sequence and biophysical properties (such as structural, functional, and spatial information, amino acid conservation, physicochemical variation, residue mobility, and thermodynamic stability) performed at Invitae indicates that this missense variant is not expected to disrupt CNTN1 protein function. In summary, the available evidence is currently insufficient to determine the role of this variant in disease. Therefore, it has been classified as a Variant of Uncertain Significance.